The following is an entry in ClinVar:

ClinVar aggregate classification (germline): Uncertain significance (1 of 4 stars; one submission).

Conditions:
Autosomal recessive limb-girdle muscular dystrophy type 2J (LGMDR10). Also called: Limb-girdle muscular dystrophy, type 2J; MUSCULAR DYSTROPHY, LIMB-GIRDLE, AUTOSOMAL RECESSIVE 10. Identifiers: Orphanet 140922, MedGen C1837342, MONDO:0012127, OMIM 608807.
Dilated cardiomyopathy 1G (CMD1G). Identifiers: Orphanet 154, MedGen C1858763, MONDO:0011400, OMIM 604145.

gnomAD v4.1: 7 of 1,614,060 alleles (0.00043%); highest among the groups gnomAD compares: South Asian, 0.0066%; no homozygotes.

Submission:

Labcorp Genetics (formerly Invitae), Labcorp
Classification: Uncertain significance for Dilated cardiomyopathy 1G; Autosomal recessive limb-girdle muscular dystrophy type 2J. Last evaluated: 2024-10-31. Review status: criteria provided, single submitter. Criteria: Invitae Variant Classification Sherloc (09022015). Collection method: clinical testing. Allele origin: germline.
Comment: This sequence change replaces asparagine, which is neutral and polar, with serine, which is neutral and polar, at codon 35347 of the TTN protein (p.Asn35347Ser). This variant is present in population databases (rs769505255, gnomAD 0.01%). This variant has not been reported in the literature in individuals affected with TTN-related conditions. Experimental studies and prediction algorithms are not available or were not evaluated, and the functional significance of this variant is currently unknown. This variant is located in the M band of TTN (PMID: 25589632). Non-truncating variants in this region may be relevant for neuromuscular disorders, but have not been definitively shown to cause cardiomyopathy (PMID: 23975875). In summary, the available evidence is currently insufficient to determine the role of this variant in disease. Therefore, it has been classified as a Variant of Uncertain Significance.

Literature cited by the submitters: PubMed 25589632; PubMed 23975875.

NM_001267550.2(TTN):c.106040A>G (p.Asn35347Ser)

Genes: TTN (titin; minus strand), TTN-AS1 (TTN antisense RNA 1; plus strand), LOC129935182 (ATAC-STARR-seq lymphoblastoid active region 16807; plus strand). Cytogenetic location: 2q31.2.
Variant type: single nucleotide variant.
Coding change: c.106040A>G on transcript NM_001267550.2 (MANE Select); coding-DNA position 106040, A replaced by G.
Protein change: p.Asn35347Ser; replaces asparagine 35347 with serine.
Molecular consequence: missense variant.
Genome position (GRCh38, 1-based): chr2:178,530,575, T>C on the plus strand (A>G on the coding strand, the complement: TTN is on the minus strand). VCF-style: chr2-178530575-T-C. GRCh37 (hg19) VCF-style: chr2-179395302-T-C.
Other names: c.101117A>G, p.Asn33706Ser (NM_001256850.1); c.78845A>G, p.Asn26282Ser (NM_003319.4); c.98336A>G, p.Asn32779Ser (NM_133378.4); c.79220A>G, p.Asn26407Ser (NM_133432.3); c.79421A>G, p.Asn26474Ser (NM_133437.4); short protein forms N26282S, N26407S, N26474S, N32779S, N33706S, N35347S.
Identifiers: ClinVar variation 3762291 (VCV003762291.2).